The following is an entry in ClinVar:

NM_025114.4(CEP290):c.6645+4T>A

Gene: CEP290 (centrosomal protein 290; minus strand). Cytogenetic location: 12q21.32.
Variant type: single nucleotide variant.
Coding change: c.6645+4T>A on transcript NM_025114.4 (MANE Select); 4 bases into the intron after coding-DNA position 6645, T replaced by A.
Molecular consequence: intron variant.
Genome position (GRCh38, 1-based): chr12:88,059,894, A>T on the plus strand (T>A on the coding strand, the complement: CEP290 is on the minus strand). VCF-style: chr12-88059894-A-T. GRCh37 (hg19) VCF-style: chr12-88453671-A-T.
Identifiers: ClinVar variation 1961701 (VCV001961701.3), dbSNP rs2034328716, ClinGen allele CA2580086709.

ClinVar aggregate classification (germline): Uncertain significance. Review status: criteria provided, multiple submitters, no conflicts (2 of 4 stars). 2 submissions from 2 submitters: Uncertain significance (2). Last evaluated 2023-12-30.

Conditions:
Joubert syndrome 5 (JBTS5). Identifiers: Orphanet 2318, MedGen C1857780, MONDO:0012432, OMIM 610188.
Senior-Loken syndrome 6 (SLSN6). Identifiers: Orphanet 3156, MedGen C1857779, MONDO:0012433, OMIM 610189.
Bardet-Biedl syndrome 14 (BBS14). Identifiers: Orphanet 110, MedGen C2673874, MONDO:0014442, OMIM 615991.
Leber congenital amaurosis 10 (LCA10). Identifiers: Orphanet 65, MedGen C1857821, MONDO:0012723, OMIM 611755.
Meckel syndrome, type 4 (MKS4). Also called: MECKEL-GRUBER SYNDROME, TYPE 4. Identifiers: Orphanet 564, MedGen C1970161, MONDO:0012626, OMIM 611134.
Joubert syndrome. Also called: CEREBELLOPARENCHYMAL DISORDER IV; JOUBERT-BOLTSHAUSER SYNDROME; Familial aplasia of the vermis. Identifiers: Orphanet 475, MedGen C5979921, MONDO:0018772.
Meckel-Gruber syndrome. Also called: DYSENCEPHALIA SPLANCHNOCYSTICA; GRUBER SYNDROME; Dysencephalia splachnocystica. Identifiers: Orphanet 564, MedGen C0265215, MONDO:0018921.
Nephronophthisis. Also called: Juvenile Nephronophthisis. Identifiers: Orphanet 655, MedGen C0687120, MONDO:0019005, HP:0000090.

Allele frequency attached by ClinVar (database versions not stated): gnomAD exomes below 0.00001.
gnomAD v4.1: 4 of 1,574,820 alleles (0.00025%); highest among the groups gnomAD compares: African/African-American, 0.0055%; no homozygotes.

Submissions (2):

Fulgent Genetics
Classification: Uncertain significance for Joubert syndrome 5; Senior-Loken syndrome 6; Meckel syndrome, type 4; Leber congenital amaurosis 10; Bardet-Biedl syndrome 14. Last evaluated: 2023-12-30. Review status: criteria provided, single submitter. Criteria: ACMG Guidelines, 2015. Collection method: clinical testing. Allele origin: germline.

Labcorp Genetics (formerly Invitae), Labcorp
Classification: Uncertain significance for Joubert syndrome; Meckel-Gruber syndrome; Nephronophthisis. Last evaluated: 2022-03-22. Review status: criteria provided, single submitter. Criteria: Invitae Variant Classification Sherloc (09022015). Collection method: clinical testing. Allele origin: germline.
Comment: This sequence change falls in intron 48 of the CEP290 gene. It does not directly change the encoded amino acid sequence of the CEP290 protein. It affects a nucleotide within the consensus splice site. This variant is not present in population databases (gnomAD no frequency). This variant has not been reported in the literature in individuals affected with CEP290-related conditions. Variants that disrupt the consensus splice site are a relatively common cause of aberrant splicing (PMID: 17576681, 9536098). Algorithms developed to predict the effect of sequence changes on RNA splicing suggest that this variant is not likely to affect RNA splicing. In summary, the available evidence is currently insufficient to determine the role of this variant in disease. Therefore, it has been classified as a Variant of Uncertain Significance.

Literature cited by the submitters: PubMed 17576681 (cited by Labcorp Genetics (formerly Invitae), Labcorp); PubMed 9536098 (cited by Labcorp Genetics (formerly Invitae), Labcorp).